The following is an entry in ClinVar:

ClinVar aggregate classification (germline): Uncertain significance (1 of 4 stars; one submission).

Conditions:
Lowe syndrome (OCRL). Also called: LOWE OCULOCEREBRORENAL SYNDROME; PHOSPHATIDYLINOSITOL 4,5-BISPHOSPHATE 5-PHOSPHATASE DEFICIENCY; Oculocerebrorenal Syndrome. Identifiers: Orphanet 534, MedGen C0028860, MONDO:0010645, OMIM 309000.

Submission:

Labcorp Genetics (formerly Invitae), Labcorp
Classification: Uncertain significance for Lowe syndrome. Last evaluated: 2023-04-23. Review status: criteria provided, single submitter. Criteria: Invitae Variant Classification Sherloc (09022015). Collection method: clinical testing. Allele origin: germline.
Comment: In summary, the available evidence is currently insufficient to determine the role of this variant in disease. Therefore, it has been classified as a Variant of Uncertain Significance. Advanced modeling of protein sequence and biophysical properties (such as structural, functional, and spatial information, amino acid conservation, physicochemical variation, residue mobility, and thermodynamic stability) has been performed at Invitae for this missense variant, however the output from this modeling did not meet the statistical confidence thresholds required to predict the impact of this variant on OCRL protein function. This variant has not been reported in the literature in individuals affected with OCRL-related conditions. This variant is not present in population databases (gnomAD no frequency). This sequence change replaces aspartic acid, which is acidic and polar, with histidine, which is basic and polar, at codon 465 of the OCRL protein (p.Asp465His).

NM_000276.4(OCRL):c.1393G>C (p.Asp465His)

Gene: OCRL (OCRL inositol polyphosphate-5-phosphatase; plus strand). Cytogenetic location: Xq26.1.
Variant type: single nucleotide variant.
Coding change: c.1393G>C on transcript NM_000276.4 (MANE Select); coding-DNA position 1393, G replaced by C.
Protein change: p.Asp465His; replaces aspartic acid 465 with histidine.
Molecular consequence: missense variant.
Genome position (GRCh38, 1-based): chrX:129,567,290, G>C. VCF-style: chrX-129567290-G-C. GRCh37 (hg19) VCF-style: chrX-128701267-G-C.
Other names: c.1396G>C, p.Asp466His (NM_001318784.2); c.1393G>C, p.Asp465His (NM_001587.4); short protein forms D466H, D465H.
Identifiers: ClinVar variation 2858587 (VCV002858587.3), dbSNP rs2124410734, ClinGen allele CA414615610.
Genomic context (GRCh38, chrX:129,567,290, plus strand): 5'-TTTGATGCTTCTTTCTATCTGTAGCTAAATATTCAGCGCACACAGAAAAAAGCTTTTGTT[G>C]ACTTCAATGAAGGGGAAATCAAGTTCATCCCCACTTATAAGTATGACTCTAAAACAGACC-3'
Protein context (NP_000267.2, residues 455-475): IQRTQKKAFV[Asp465His]FNEGEIKFIP